The following is an entry in ClinVar:

NM_001006658.3(CR2):c.1075G>T (p.Gly359Cys)

Genes: CR2 (complement C3d receptor 2; plus strand), LOC126805994 (BRD4-independent group 4 enhancer GRCh37_chr1:207642622-207643821; plus strand). Cytogenetic location: 1q32.2.
Variant type: single nucleotide variant.
Coding change: c.1075G>T on transcript NM_001006658.3 (MANE Select); coding-DNA position 1075, G replaced by T.
Protein change: p.Gly359Cys; replaces glycine 359 with cysteine.
Molecular consequence: missense variant.
Genome position (GRCh38, 1-based): chr1:207,469,952, G>T. VCF-style: chr1-207469952-G-T. GRCh37 (hg19) VCF-style: chr1-207643297-G-T.
Other names: c.1075G>T, p.Gly359Cys (NM_001877.5); short protein forms G359C.
Identifiers: ClinVar variation 1376363 (VCV001376363.8), dbSNP rs769404342, ClinGen allele CA344529148.

ClinVar aggregate classification (germline): Uncertain significance (1 of 4 stars; one submission).

Conditions:
Immunodeficiency, common variable, 7. Identifiers: Orphanet 1572, Orphanet 696894, MedGen C3542922, MONDO:0013862, OMIM 614699.

Submission:

Labcorp Genetics (formerly Invitae), Labcorp
Classification: Uncertain significance for Immunodeficiency, common variable, 7. Last evaluated: 2022-03-03. Review status: criteria provided, single submitter. Criteria: Invitae Variant Classification Sherloc (09022015). Collection method: clinical testing. Allele origin: germline.
Comment: In summary, the available evidence is currently insufficient to determine the role of this variant in disease. Therefore, it has been classified as a Variant of Uncertain Significance. Algorithms developed to predict the effect of missense changes on protein structure and function are either unavailable or do not agree on the potential impact of this missense change (SIFT: "Tolerated"; PolyPhen-2: "Probably Damaging"; Align-GVGD: "Class C35"). This variant has not been reported in the literature in individuals affected with CR2-related conditions. This variant is not present in population databases (gnomAD no frequency). This sequence change replaces glycine, which is neutral and non-polar, with cysteine, which is neutral and slightly polar, at codon 359 of the CR2 protein (p.Gly359Cys).